The following is an entry in ClinVar:

ClinVar aggregate classification (germline): Conflicting classifications of pathogenicity. Review status: criteria provided, conflicting classifications (1 of 4 stars). 3 submissions from 3 submitters: Uncertain significance (1); Likely benign (1). 1 of the submissions does not count toward it. Last evaluated 2025-12-16.

Conditions:
A2ML1-related disorder. Also called: A2ML1-related condition.

Allele frequency attached by ClinVar (database versions not stated): gnomAD exomes 0.00003 and 0.00007; ExAC 0.00008; TOPMed 0.00037; gnomAD 0.00038 and 0.00039; 1000 Genomes Project 0.00060; 1000 Genomes Project 30x 0.00062.
gnomAD v4.1: 103 of 1,614,236 alleles (0.0064%); highest among the groups gnomAD compares: African/African-American, 0.13%; no homozygotes.

Submissions (3):

Labcorp Genetics (formerly Invitae), Labcorp
Classification: Likely benign. Last evaluated: 2025-12-16. Review status: criteria provided, single submitter. Criteria: Invitae Variant Classification Sherloc (09022015). Collection method: clinical testing. Allele origin: germline.

Ambry Genetics
Classification: Uncertain significance. Last evaluated: 2025-10-22. Review status: criteria provided, single submitter. Criteria: Ambry Variant Classification Scheme 2023. Collection method: clinical testing. Allele origin: germline.

PreventionGenetics, part of Exact Sciences
Classification: Likely benign for A2ML1-related condition. Last evaluated: 2022-11-02. Review status: no assertion criteria provided. Collection method: clinical testing. Allele origin: germline. Not counted in ClinVar's aggregate classification.
Comment: This variant is classified as likely benign based on ACMG/AMP sequence variant interpretation guidelines (Richards et al. 2015 PMID: 25741868, with internal and published modifications).

NM_144670.6(A2ML1):c.3869C>A (p.Thr1290Asn)

Gene: A2ML1 (alpha-2-macroglobulin like 1; plus strand). Cytogenetic location: 12p13.31.
Variant type: single nucleotide variant.
Coding change: c.3869C>A on transcript NM_144670.6 (MANE Select); coding-DNA position 3869, C replaced by A.
Protein change: p.Thr1290Asn; replaces threonine 1290 with asparagine.
Molecular consequence: missense variant.
Genome position (GRCh38, 1-based): chr12:8,867,993, C>A. VCF-style: chr12-8867993-C-A. GRCh37 (hg19) VCF-style: chr12-9020589-C-A.
Other names: c.3869C>A (NM_144670.5, NM_144670.3); c.2396C>A, p.Thr799Asn (NM_001282424.3); short protein forms T799N, T1290N.
Identifiers: ClinVar variation 697906 (VCV000697906.14), dbSNP rs199584108, ClinGen allele CA6436499.